The following is an entry in ClinVar:

NM_138638.5(CFL2):c.283A>G (p.Lys95Glu)

Gene: CFL2 (cofilin 2; minus strand). Cytogenetic location: 14q13.1.
Variant type: single nucleotide variant.
Coding change: c.283A>G on transcript NM_138638.5 (MANE Select); coding-DNA position 283, A replaced by G.
Protein change: p.Lys95Glu; replaces lysine 95 with glutamic acid.
Molecular consequence: missense variant.
Genome position (GRCh38, 1-based): chr14:34,713,282, T>C on the plus strand (A>G on the coding strand, the complement: CFL2 is on the minus strand). VCF-style: chr14-34713282-T-C. GRCh37 (hg19) VCF-style: chr14-35182488-T-C.
Other names: c.232A>G, p.Lys78Glu (NM_001243645.2); c.283A>G, p.Lys95Glu (NM_021914.8); short protein forms K78E, K95E.
Identifiers: ClinVar variation 5021123 (VCV005021123.1).

ClinVar aggregate classification (germline): Uncertain significance (1 of 4 stars; one submission).

Conditions:
Nemaline myopathy 7 (NEM7). Also called: Nemaline myopathy 7, autosomal recessive. Identifiers: Orphanet 171436, MedGen C1853154, MONDO:0012538, OMIM 610687.

Submission:

Harry Perkins Institute Of Medical Research, University Of Western Australia
Classification: Uncertain significance for Nemaline myopathy 7. Last evaluated: 2026-10-13. Review status: criteria provided, single submitter. Criteria: ACMG Guidelines, 2015. Collection method: research. Allele origin: paternal. Inheritance: Autosomal recessive inheritance. Affected: yes. Observed: 1 variant allele, 1 compound heterozygote.
Comment: Associated with significantly reduced filamentous actin depolymerisation rates in vitro. PM2 (Variant not found in gnomAD genomes, good gnomAD genomes coverage = 31.5. Variant not found in gnomAD exomes, good gnomAD exomes coverage = 33.3), PP3 (AlphaMissense = 0.828 is between 0.621 and 0.926 ⇒ supporting pathogenic), PS3_P (Associated with significantly reduced filamentous actin depolymerisation rates in vitro, Functional evidence available, see PMID: 40581737). Variant identified in trans with CFL2 c.256G>A.

Literature cited by the submitters: PubMed 40581737.